The following is an entry in ClinVar:

ClinVar aggregate classification (germline): Uncertain significance (1 of 4 stars; one submission).

Conditions:
Angelman syndrome (AS). Also called: HAPPY PUPPET SYNDROME. Identifiers: Orphanet 72, MedGen C0162635, MONDO:0007113, OMIM 105830. Disease mechanism: loss of function. Inheritance: imprinting disorder, AS is caused by disruption of maternally imprinted UBE3A located within the 15q11.2-q13 Angelman syndrome/Prader-Willi syndrome (AS/PWS) region..

Submission:

Labcorp Genetics (formerly Invitae), Labcorp
Classification: Uncertain significance for Angelman syndrome. Last evaluated: 2023-09-17. Review status: criteria provided, single submitter. Criteria: Invitae Variant Classification Sherloc (09022015). Collection method: clinical testing. Allele origin: germline.
Comment: In summary, the available evidence is currently insufficient to determine the role of this variant in disease. Therefore, it has been classified as a Variant of Uncertain Significance. Advanced modeling of protein sequence and biophysical properties (such as structural, functional, and spatial information, amino acid conservation, physicochemical variation, residue mobility, and thermodynamic stability) performed at Invitae indicates that this missense variant is expected to disrupt UBE3A protein function. This variant has not been reported in the literature in individuals affected with UBE3A-related conditions. This variant is not present in population databases (gnomAD no frequency). This sequence change replaces alanine, which is neutral and non-polar, with valine, which is neutral and non-polar, at codon 215 of the UBE3A protein (p.Ala215Val).

NM_130839.5(UBE3A):c.704C>T (p.Ala235Val)

Genes: SNHG14 (small nucleolar RNA host gene 14; plus strand), UBE3A (ubiquitin protein ligase E3A; minus strand). Cytogenetic location: 15q11.2.
Variant type: single nucleotide variant.
Coding change: c.704C>T on transcript NM_130839.5 (MANE Select); coding-DNA position 704, C replaced by T.
Protein change: p.Ala235Val; replaces alanine 235 with valine.
Molecular consequence: missense variant. On other transcripts: non-coding transcript variant (1), intron variant (2).
Genome position (GRCh38, 1-based): chr15:25,371,470, G>A on the plus strand (C>T on the coding strand, the complement: UBE3A is on the minus strand). VCF-style: chr15-25371470-G-A. GRCh37 (hg19) VCF-style: chr15-25616617-G-A.
Other names: c.644C>T, p.Ala215Val (NM_001354523.2, NM_001354526.1, NM_001354539.2 and 17 more transcripts); c.704C>T, p.Ala235Val (NM_001354538.2, NM_001354545.2, NM_001354505.1); c.713C>T, p.Ala238Val (NM_000462.5); c.527C>T, p.Ala176Val (NM_001354546.2); c.301+3995C>T (NM_001354551.2); c.361+3995C>T (NM_001354550.2); short protein forms A176V, A238V, A215V, A235V.
Identifiers: ClinVar variation 2759565 (VCV002759565.3), dbSNP rs2552191731, ClinGen allele CA391355256.
Genomic context (GRCh38, chr15:25,371,470, plus strand): 5'-TTGAGAAAGGCAGTTTCAATTTTTTCATTAGAGAGCAATCTGGTGTAGACCCTTCTAATG[G>A]CATCAATATCCACAGACACATCATCAGGGCCTAATTTTTGCAAATTGTTGTCTCCCTGTG-3'
Protein context (NP_570854.1, residues 225-245): GPDDVSVDID[Ala235Val]IRRVYTRLLS